The following is an entry in ClinVar:

NM_000059.4(BRCA2):c.430G>T (p.Val144Phe)

Gene: BRCA2 (BRCA2 DNA repair associated; plus strand). Cytogenetic location: 13q13.1.
Variant type: single nucleotide variant.
Coding change: c.430G>T on transcript NM_000059.4 (MANE Select); coding-DNA position 430, G replaced by T.
Protein change: p.Val144Phe; replaces valine 144 with phenylalanine.
Molecular consequence: missense variant.
Genome position (GRCh38, 1-based): chr13:32,326,105, G>T. VCF-style: chr13-32326105-G-T. GRCh37 (hg19) VCF-style: chr13-32900242-G-T.
Other names: short protein forms V144F.
Identifiers: ClinVar variation 495461 (VCV000495461.20), dbSNP rs876661259, ClinGen allele CA387756984.

ClinVar aggregate classification (germline): Uncertain significance. Review status: criteria provided, multiple submitters, no conflicts (2 of 4 stars). 5 submissions from 5 submitters: Uncertain significance (5). Last evaluated 2025-07-28.

Conditions:
Hereditary breast ovarian cancer syndrome. Also called: Hereditary breast and/or ovarian cancer syndrome; BRCA1- and BRCA2-Associated Hereditary Breast and Ovarian Cancer; Breast and ovarian cancer; Hereditary breast and ovarian cancer; Hereditary breast and ovarian cancer syndrome; Hereditary breast and ovarian cancer syndrome (HBOC). Identifiers: Orphanet 145, MedGen C0677776, MeSH D061325, MONDO:0003582. Disease mechanism: loss of function.
BRCA2-related cancer predisposition. Identifiers: MedGen CN377758, MONDO:0700269.
Hereditary cancer-predisposing syndrome. Also called: Hereditary neoplastic syndrome; Tumor predisposition; Hereditary Cancer Syndrome; Neoplastic Syndromes, Hereditary. Identifiers: Orphanet 140162, MedGen C0027672, MeSH D009386, MONDO:0015356.

Allele frequency attached by ClinVar (database versions not stated): gnomAD exomes below 0.00001.
gnomAD v4.1: 2 of 1,608,804 alleles (0.00012%); highest among the groups gnomAD compares: South Asian, 0.0022%; no homozygotes.

Submissions (5):

Ambry Genetics
Classification: Uncertain significance for Hereditary cancer-predisposing syndrome. Last evaluated: 2025-07-28. Review status: criteria provided, single submitter. Criteria: Ambry Variant Classification Scheme 2023. Collection method: clinical testing. Allele origin: germline.
Comment: The p.V144F variant (also known as c.430G>T), located in coding exon 4 of the BRCA2 gene, results from a G to T substitution at nucleotide position 430. The valine at codon 144 is replaced by phenylalanine, an amino acid with highly similar properties. This amino acid position is not well conserved in available vertebrate species. In addition, this alteration is predicted to be tolerated by in silico analysis. Since supporting evidence is limited at this time, the clinical significance of this alteration remains unclear.

Women's Health and Genetics/Laboratory Corporation of America, LabCorp
Classification: Uncertain significance. Last evaluated: 2024-12-02. Review status: criteria provided, single submitter. Criteria: LabCorp Variant Classification Summary - May 2015. Collection method: clinical testing. Allele origin: germline.
Comment: Variant summary: BRCA2 c.430G>T (p.Val144Phe) results in a non-conservative amino acid change in the encoded protein sequence. Four of five in-silico tools predict a benign effect of the variant on protein function. The variant was absent in 250698 control chromosomes. The available data on variant occurrences in the general population are insufficient to allow any conclusion about variant significance. To our knowledge, no occurrence of c.430G>T in individuals affected with Hereditary Breast And Ovarian Cancer Syndrome and no experimental evidence demonstrating its impact on protein function have been reported. ClinVar contains an entry for this variant (Variation ID: 495461). Based on the evidence outlined above, the variant was classified as uncertain significance.

All of Us Research Program, National Institutes of Health
Classification: Uncertain significance for BRCA2-related cancer predisposition. Last evaluated: 2024-07-10. Review status: criteria provided, single submitter. Criteria: ACMG Guidelines, 2015. Collection method: clinical testing. Allele origin: germline. Inheritance: Autosomal dominant inheritance. Observed: 1 variant allele, 1 heterozygote.
Comment: This missense variant replaces valine with phenylalanine at codon 144 of the BRCA2 protein. Computational prediction suggests that this variant may not impact protein structure and function (internally defined REVEL score threshold <= 0.5, PMID: 27666373). To our knowledge, functional studies have not been reported for this variant. This variant has not been reported in individuals affected with BRCA2-related disorders in the literature. This variant has not been identified in the general population by the Genome Aggregation Database (gnomAD). The available evidence is insufficient to determine the role of this variant in disease conclusively. Therefore, this variant is classified as a Variant of Uncertain Significance.

This study involves interpretation of variants in research participants for the purpose of population health screening. Participant phenotype was not available at the time of variant classification. Additional details can be found in publication PMID: 35346344, PMCID: PMC8962531

Labcorp Genetics (formerly Invitae), Labcorp
Classification: Uncertain significance for Hereditary breast ovarian cancer syndrome. Last evaluated: 2024-01-03. Review status: criteria provided, single submitter. Criteria: Invitae Variant Classification Sherloc (09022015). Collection method: clinical testing. Allele origin: germline.
Comment: This sequence change replaces valine, which is neutral and non-polar, with phenylalanine, which is neutral and non-polar, at codon 144 of the BRCA2 protein (p.Val144Phe). This variant is not present in population databases (gnomAD no frequency). This variant has not been reported in the literature in individuals affected with BRCA2-related conditions. ClinVar contains an entry for this variant (Variation ID: 495461). Advanced modeling of protein sequence and biophysical properties (such as structural, functional, and spatial information, amino acid conservation, physicochemical variation, residue mobility, and thermodynamic stability) performed at Invitae indicates that this missense variant is not expected to disrupt BRCA2 protein function with a negative predictive value of 95%. In summary, the available evidence is currently insufficient to determine the role of this variant in disease. Therefore, it has been classified as a Variant of Uncertain Significance.

Color Diagnostics, LLC DBA Color Health
Classification: Uncertain significance for Hereditary cancer-predisposing syndrome. Last evaluated: 2023-12-05. Review status: criteria provided, single submitter. Criteria: ACMG Guidelines, 2015. Collection method: clinical testing. Allele origin: germline.
Comment: This missense variant replaces valine with phenylalanine at codon 144 of the BRCA2 protein. Computational prediction suggests that this variant may not impact protein structure and function (internally defined REVEL score threshold <= 0.5, PMID: 27666373). To our knowledge, functional studies have not been reported for this variant. This variant has not been reported in individuals affected with BRCA2-related disorders in the literature. This variant has not been identified in the general population by the Genome Aggregation Database (gnomAD). The available evidence is insufficient to determine the role of this variant in disease conclusively. Therefore, this variant is classified as a Variant of Uncertain Significance.